The following is an entry in ClinVar:

ClinVar aggregate classification (germline): Uncertain significance. Review status: criteria provided, multiple submitters, no conflicts (2 of 4 stars). 2 submissions from 2 submitters: Uncertain significance (2). Last evaluated 2026-08-03.

Conditions:
Inborn genetic diseases. Identifiers: MedGen C0950123, MeSH D030342.
Congenital myasthenic syndrome 8. Also called: MYASTHENIC SYNDROME, CONGENITAL, DUE TO AGRIN DEFICIENCY; Myasthenic syndrome, congenital, 8, with pre- and postsynaptic defects. Identifiers: Orphanet 590, MedGen C3808739, MONDO:0014052, OMIM 615120.

Allele frequency attached by ClinVar (database versions not stated): gnomAD exomes 0.00005 and 0.00002; ExAC 0.00002; TOPMed 0.00003; gnomAD 0.00003.
gnomAD v4.1: 71 of 1,608,830 alleles (0.0044%); highest among the groups gnomAD compares: Middle Eastern, 0.016%; no homozygotes.

Submissions (2):

Ambry Genetics
Classification: Uncertain significance for Inborn genetic diseases. Last evaluated: 2026-08-03. Review status: criteria provided, single submitter. Criteria: Ambry Variant Classification Scheme 2023. Collection method: clinical testing. Allele origin: germline.

Labcorp Genetics (formerly Invitae), Labcorp
Classification: Uncertain significance for Congenital myasthenic syndrome 8. Last evaluated: 2022-06-27. Review status: criteria provided, single submitter. Criteria: Invitae Variant Classification Sherloc (09022015). Collection method: clinical testing. Allele origin: germline.
Comment: This sequence change replaces glycine, which is neutral and non-polar, with arginine, which is basic and polar, at codon 423 of the AGRN protein (p.Gly423Arg). This variant is present in population databases (rs775192392, gnomAD 0.005%). This variant has not been reported in the literature in individuals affected with AGRN-related conditions. Algorithms developed to predict the effect of missense changes on protein structure and function are either unavailable or do not agree on the potential impact of this missense change (SIFT: "Deleterious"; PolyPhen-2: "Probably Damaging"; Align-GVGD: "Class C0"). Algorithms developed to predict the effect of sequence changes on RNA splicing suggest that this variant may disrupt the consensus splice site. In summary, the available evidence is currently insufficient to determine the role of this variant in disease. Therefore, it has been classified as a Variant of Uncertain Significance.

NM_198576.4(AGRN):c.1267G>A (p.Gly423Arg)

Gene: AGRN (agrin; plus strand). Cytogenetic location: 1p36.33.
Variant type: single nucleotide variant.
Coding change: c.1267G>A on transcript NM_198576.4 (MANE Select); coding-DNA position 1267, G replaced by A.
Protein change: p.Gly423Arg; replaces glycine 423 with arginine.
Molecular consequence: missense variant.
Genome position (GRCh38, 1-based): chr1:1,042,045, G>A. VCF-style: chr1-1042045-G-A. GRCh37 (hg19) VCF-style: chr1-977425-G-A.
Other names: c.1267G>A, p.Gly423Arg (NM_001305275.2); c.952G>A, p.Gly318Arg (NM_001364727.2); c.1267G>A (NM_198576.3); short protein forms G318R, G423R.
Identifiers: ClinVar variation 1520601 (VCV001520601.5), dbSNP rs775192392, ClinGen allele CA508094.
Genomic context (GRCh38, chr1:1,042,045, plus strand): 5'-GCCGTGTGCCTGTCCCGCCGTGGCCGTCCCCGCTGCTCCTGCGACCGCGTCACCTGTGAC[G>A]GGGCCTACAGGCCCGTGTGTGCCCAGGACGGGCGCACGTATGACAGTGATTGCTGGCGGC-3'
Protein context (NP_940978.2, residues 413-433): RCSCDRVTCD[Gly423Arg]AYRPVCAQDG